The following is an entry in ClinVar:

ClinVar aggregate classification (germline): Uncertain significance. Review status: criteria provided, multiple submitters, no conflicts (2 of 4 stars). 2 submissions from 2 submitters: Uncertain significance (2). Last evaluated 2024-05-13.

Conditions:
Polycystic kidney disease 2 (PKD2). Also called: POLYCYSTIC KIDNEY DISEASE 2 WITH OR WITHOUT POLYCYSTIC LIVER DISEASE; Polycystic Kidney Disease 2, Autosomal Dominant; POLYCYSTIC KIDNEY DISEASE, ADULT, TYPE II. Identifiers: MedGen C2751306, MONDO:0013131, OMIM 613095.
Autosomal dominant polycystic kidney disease. Identifiers: Orphanet 730, MedGen C0085413, MONDO:0004691.

Allele frequency attached by ClinVar (database versions not stated): gnomAD exomes below 0.00001; TOPMed below 0.00001; gnomAD 0.00001.
gnomAD v4.1: 10 of 1,613,716 alleles (0.00062%); highest among the groups gnomAD compares: African/African-American, 0.0013%; no homozygotes.

Submissions (2):

Fulgent Genetics
Classification: Uncertain significance for Polycystic kidney disease 2. Last evaluated: 2024-05-13. Review status: criteria provided, single submitter. Criteria: ACMG Guidelines, 2015. Collection method: clinical testing. Allele origin: germline.

Labcorp Genetics (formerly Invitae), Labcorp
Classification: Uncertain significance for Autosomal dominant polycystic kidney disease. Last evaluated: 2023-04-15. Review status: criteria provided, single submitter. Criteria: Invitae Variant Classification Sherloc (09022015). Collection method: clinical testing. Allele origin: germline.
Comment: In summary, the available evidence is currently insufficient to determine the role of this variant in disease. Therefore, it has been classified as a Variant of Uncertain Significance. Advanced modeling of protein sequence and biophysical properties (such as structural, functional, and spatial information, amino acid conservation, physicochemical variation, residue mobility, and thermodynamic stability) performed at Invitae indicates that this missense variant is not expected to disrupt PKD2 protein function. ClinVar contains an entry for this variant (Variation ID: 1008539). This missense change has been observed in individual(s) with autosomal dominant polycystic kidney disease (Invitae). This variant is not present in population databases (gnomAD no frequency). This sequence change replaces asparagine, which is neutral and polar, with serine, which is neutral and polar, at codon 305 of the PKD2 protein (p.Asn305Ser).

NM_000297.4(PKD2):c.914A>G (p.Asn305Ser)

Gene: PKD2 (polycystin 2, transient receptor potential cation channel; plus strand). Cytogenetic location: 4q22.1.
Variant type: single nucleotide variant.
Coding change: c.914A>G on transcript NM_000297.4 (MANE Select); coding-DNA position 914, A replaced by G.
Protein change: p.Asn305Ser; replaces asparagine 305 with serine.
Molecular consequence: missense variant. On other transcripts: non-coding transcript variant (1).
Genome position (GRCh38, 1-based): chr4:88,038,321, A>G. VCF-style: chr4-88038321-A-G. GRCh37 (hg19) VCF-style: chr4-88959473-A-G.
Other names: short protein forms N305S.
Identifiers: ClinVar variation 1008539 (VCV001008539.9), dbSNP rs1727416682, ClinGen allele CA357632644.